The following is an entry in ClinVar:

ClinVar aggregate classification (germline): Uncertain significance (1 of 4 stars; one submission).

Conditions:
Familial thoracic aortic aneurysm and aortic dissection (TAAD). Also called: Thoracic aortic aneurysms and dissections. Identifiers: Orphanet 91387, MedGen C4707243, MONDO:0019625.

Submission:

Ambry Genetics
Classification: Uncertain significance for Familial thoracic aortic aneurysm and aortic dissection. Last evaluated: 2023-04-01. Review status: criteria provided, single submitter. Criteria: Ambry Variant Classification Scheme 2023. Collection method: clinical testing. Allele origin: germline.
Comment: The p.G135A variant (also known as c.404G>C) is located in coding exon 4 of the NOTCH1 gene. The glycine at codon 135 is replaced by alanine, an amino acid with similar properties. This change occurs in the first base pair of coding exon 4. This amino acid position is conserved. In addition, this alteration is predicted to be deleterious by in silico analysis. Since supporting evidence is limited at this time, the clinical significance of this alteration remains unclear.

NM_017617.5(NOTCH1):c.404G>C (p.Gly135Ala)

Gene: NOTCH1 (notch receptor 1; minus strand). Cytogenetic location: 9q34.3.
Variant type: single nucleotide variant.
Coding change: c.404G>C on transcript NM_017617.5 (MANE Select); coding-DNA position 404, G replaced by C.
Protein change: p.Gly135Ala; replaces glycine 135 with alanine.
Molecular consequence: missense variant.
Genome position (GRCh38, 1-based): chr9:136,523,188, C>G on the plus strand (G>C on the coding strand, the complement: NOTCH1 is on the minus strand). VCF-style: chr9-136523188-C-G. GRCh37 (hg19) VCF-style: chr9-139417640-C-G.
Other names: short protein forms G135A.
Identifiers: ClinVar variation 2566644 (VCV002566644.2), dbSNP rs2540468631, ClinGen allele CA375571979.